The following is an entry in ClinVar:

ClinVar aggregate classification (germline): Uncertain significance. Review status: criteria provided, single submitter (1 of 4 stars). 2 submissions from 2 submitters: Uncertain significance (1). 1 of the submissions does not count toward it. Last evaluated 2025-05-05.

Conditions:
FOCAD-related disorder. Also called: FOCAD-related condition.

Allele frequency attached by ClinVar (database versions not stated): gnomAD exomes 0.00002; TOPMed 0.00002; ExAC 0.00003; gnomAD 0.00002.
gnomAD v4.1: 42 of 1,606,498 alleles (0.0026%); highest among the groups gnomAD compares: Middle Eastern, 0.16%; no homozygotes.

Submissions (2):

Labcorp Genetics (formerly Invitae), Labcorp
Classification: Uncertain significance. Last evaluated: 2025-05-05. Review status: criteria provided, single submitter. Criteria: Invitae Variant Classification Sherloc (09022015). Collection method: clinical testing. Allele origin: germline.
Comment: This sequence change affects codon 1604 of the FOCAD mRNA. It is a 'silent' change, meaning that it does not change the encoded amino acid sequence of the FOCAD protein. This variant is present in population databases (rs776457730, gnomAD 0.01%). This variant has not been reported in the literature in individuals affected with FOCAD-related conditions. ClinVar contains an entry for this variant (Variation ID: 3040297). In summary, the available evidence is currently insufficient to determine the role of this variant in disease. Therefore, it has been classified as a Variant of Uncertain Significance.

PreventionGenetics, part of Exact Sciences
Classification: Likely benign for FOCAD-related condition. Last evaluated: 2019-09-17. Review status: no assertion criteria provided. Collection method: clinical testing. Allele origin: germline. Not counted in ClinVar's aggregate classification.
Comment: This variant is classified as likely benign based on ACMG/AMP sequence variant interpretation guidelines (Richards et al. 2015 PMID: 25741868, with internal and published modifications).

NM_001375567.1(FOCAD):c.4812G>C (p.Leu1604=)

Gene: FOCAD (focadhesin; plus strand). Cytogenetic location: 9p21.3.
Variant type: single nucleotide variant.
Coding change: c.4812G>C on transcript NM_001375567.1 (MANE Select); coding-DNA position 4812, G replaced by C.
Protein change: p.Leu1604=; no amino-acid change (leucine 1604 retained).
Molecular consequence: synonymous variant.
Genome position (GRCh38, 1-based): chr9:20,986,371, G>C. VCF-style: chr9-20986371-G-C. GRCh37 (hg19) VCF-style: chr9-20986370-G-C.
Other names: c.4707G>C, p.Leu1569= (NM_001375568.1, NM_001375570.1); c.4812G>C, p.Leu1604= (NM_017794.5).
Identifiers: ClinVar variation 3040297 (VCV003040297.4), dbSNP rs776457730, ClinGen allele CA5008065.